The following is an entry in ClinVar:

NM_024870.4(PREX2):c.636C>T (p.Asn212=)

Gene: PREX2 (phosphatidylinositol-3,4,5-trisphosphate dependent Rac exchange factor 2; plus strand). Cytogenetic location: 8q13.2.
Variant type: single nucleotide variant.
Coding change: c.636C>T on transcript NM_024870.4 (MANE Select); coding-DNA position 636, C replaced by T.
Protein change: p.Asn212=; no amino-acid change (asparagine 212 retained).
Molecular consequence: synonymous variant.
Genome position (GRCh38, 1-based): chr8:68,030,589, C>T. VCF-style: chr8-68030589-C-T. GRCh37 (hg19) VCF-style: chr8-68942824-C-T.
Other names: c.636C>T, p.Asn212= (NM_025170.6).
Identifiers: ClinVar variation 784128 (VCV000784128.28), dbSNP rs148808450, ClinGen allele CA4773370.
Genomic context (GRCh38, chr8:68,030,589, plus strand): 5'-TGACTATGCAGCAGTGATGGAAGCCCTCCAAGCCATGAAAGCTGTCTGTTCCAACATAAA[C>T]GAGGCCAAGAGACAGATGGAGAAGTTAGAAGTTTTAGAGGAATGGCAGTCTCACATTGAA-3'
Protein context (NP_079146.2, residues 202-222): QAMKAVCSNI[Asn212=]EAKRQMEKLE

ClinVar aggregate classification (germline): Benign/Likely benign. Review status: criteria provided, multiple submitters, no conflicts (2 of 4 stars). 3 submissions from 3 submitters: Benign (2); Likely benign (1). Last evaluated 2022-08-01.

Allele frequency attached by ClinVar (database versions not stated): 1000 Genomes Project 0.00180; TOPMed 0.00199; gnomAD exomes 0.00083 and 0.00115; ESP Exome Variant Server 0.00085; ExAC 0.00088; gnomAD 0.00151 and 0.00156; 1000 Genomes Project 30x 0.00172.

Submissions (3):

CeGaT Center for Human Genetics Tuebingen
Classification: Likely benign. Last evaluated: 2022-08-01. Review status: criteria provided, single submitter. Criteria: CeGaT Center For Human Genetics Tuebingen Variant Classification Criteria Version 2. Collection method: clinical testing. Allele origin: germline. Affected: yes. Observed: 1 variant allele.
Comment: PREX2: BP4, BP7

Labcorp Genetics (formerly Invitae), Labcorp
Classification: Benign. Last evaluated: 2018-06-08. Review status: criteria provided, single submitter. Criteria: Invitae Variant Classification Sherloc (09022015). Collection method: clinical testing. Allele origin: germline.

Breakthrough Genomics
Classification: Benign. Review status: criteria provided, single submitter. Criteria: ACMG Guidelines, 2015. Collection method: not provided. Allele origin: germline. Inheritance: Unknown mechanism. Affected: yes.